The following is an entry in ClinVar:

NM_002299.4(LCT):c.4540C>T (p.Arg1514Trp)

Gene: LCT (lactase; minus strand). Cytogenetic location: 2q21.3.
Variant type: single nucleotide variant.
Coding change: c.4540C>T on transcript NM_002299.4 (MANE Select); coding-DNA position 4540, C replaced by T.
Protein change: p.Arg1514Trp; replaces arginine 1514 with tryptophan.
Molecular consequence: missense variant.
Genome position (GRCh38, 1-based): chr2:135,804,053, G>A on the plus strand (C>T on the coding strand, the complement: LCT is on the minus strand). VCF-style: chr2-135804053-G-A. GRCh37 (hg19) VCF-style: chr2-136561623-G-A.
Other names: short protein forms R1514W.
Identifiers: ClinVar variation 1937846 (VCV001937846.2), dbSNP rs752406025, ClinGen allele CA1887823.

ClinVar aggregate classification (germline): Uncertain significance (1 of 4 stars; one submission).

Allele frequency attached by ClinVar (database versions not stated): ExAC 0.00001; gnomAD exomes 0.00002; gnomAD 0.00003; TOPMed 0.00003.
gnomAD v4.1: 32 of 1,614,020 alleles (0.002%); highest among the groups gnomAD compares: Middle Eastern, 0.033%; no homozygotes.

Submission:

Labcorp Genetics (formerly Invitae), Labcorp
Classification: Uncertain significance. Last evaluated: 2022-08-03. Review status: criteria provided, single submitter. Criteria: Invitae Variant Classification Sherloc (09022015). Collection method: clinical testing. Allele origin: germline.
Comment: This sequence change replaces arginine, which is basic and polar, with tryptophan, which is neutral and slightly polar, at codon 1514 of the LCT protein (p.Arg1514Trp). This variant is present in population databases (rs752406025, gnomAD 0.006%). This variant has not been reported in the literature in individuals affected with LCT-related conditions. Algorithms developed to predict the effect of missense changes on protein structure and function output the following: SIFT: "Not Available"; PolyPhen-2: "Benign"; Align-GVGD: "Not Available". The tryptophan amino acid residue is found in multiple mammalian species, which suggests that this missense change does not adversely affect protein function. In summary, the available evidence is currently insufficient to determine the role of this variant in disease. Therefore, it has been classified as a Variant of Uncertain Significance.